The following is an entry in ClinVar:

ClinVar aggregate classification (germline): Uncertain significance. Review status: criteria provided, multiple submitters, no conflicts (2 of 4 stars). 5 submissions from 5 submitters: Uncertain significance (5). Last evaluated 2025-11-01.

Conditions:
Hypertrophic cardiomyopathy 14. Identifiers: MedGen C2750467, MONDO:0013197, OMIM 613251.
Cardiovascular phenotype. Identifiers: MedGen CN230736.
Hypertrophic cardiomyopathy 1 (CMH1). Also called: Familial hypertrophic cardiomyopathy 1; MYH7-Related Familial Hypertrophic Cardiomyopathy. Identifiers: MedGen C3495498, MONDO:0008647, OMIM 192600.
Dilated cardiomyopathy 1EE (CMD1EE). Identifiers: Orphanet 154, MedGen C2750466, MONDO:0013198, OMIM 613252.
Sick sinus syndrome 3, susceptibility to (SSS3). Identifiers: Orphanet 166282, MedGen C3279791, MONDO:0013568, OMIM 614090.
Atrial septal defect 3 (ASD3). Identifiers: Orphanet 1478, MedGen C3279790, MONDO:0013567, OMIM 614089.

Allele frequency attached by ClinVar (database versions not stated): gnomAD 0.00001; TOPMed 0.00002.
gnomAD v4.1: 46 of 1,614,108 alleles (0.0028%); highest among the groups gnomAD compares: Non-Finnish European, 0.0036%; no homozygotes.

Submissions (5):

CeGaT Center for Human Genetics Tuebingen
Classification: Uncertain significance. Last evaluated: 2025-11-01. Review status: criteria provided, single submitter. Criteria: CeGaT Center For Human Genetics Tuebingen Variant Classification Criteria Version 2. Collection method: clinical testing. Allele origin: germline. Affected: yes. Observed: 1 variant allele.

Ambry Genetics
Classification: Uncertain significance for Cardiovascular phenotype. Last evaluated: 2025-10-05. Review status: criteria provided, single submitter. Criteria: Ambry Variant Classification Scheme 2023. Collection method: clinical testing. Allele origin: germline.
Comment: The p.L24P variant (also known as c.71T>C), located in coding exon 1 of the MYH6 gene, results from a T to C substitution at nucleotide position 71. The leucine at codon 24 is replaced by proline, an amino acid with similar properties. This alteration has been reported in a subject with dilated cardiomyopathy (DCM), atrial fibrillation and bradycardia who also carried a second missense alteration in MYH6 (Seidelmann SB et al. Circ Cardiovasc Genet, 2017 Feb;10:). This amino acid position is well conserved in available vertebrate species. In addition, the in silico prediction for this alteration is inconclusive. Since supporting evidence is limited at this time, the clinical significance of this alteration remains unclear.

Labcorp Genetics (formerly Invitae), Labcorp
Classification: Uncertain significance for Hypertrophic cardiomyopathy 14. Last evaluated: 2025-06-04. Review status: criteria provided, single submitter. Criteria: Invitae Variant Classification Sherloc (09022015). Collection method: clinical testing. Allele origin: germline.
Comment: This sequence change replaces leucine, which is neutral and non-polar, with proline, which is neutral and non-polar, at codon 24 of the MYH6 protein (p.Leu24Pro). This variant is present in population databases (no rsID available, gnomAD 0.0009%). This missense change has been observed in individual(s) with clinical features of MYH6-related conditions (PMID: 28087566). ClinVar contains an entry for this variant (Variation ID: 917551). Invitae Evidence Modeling of protein sequence and biophysical properties (such as structural, functional, and spatial information, amino acid conservation, physicochemical variation, residue mobility, and thermodynamic stability) indicates that this missense variant is not expected to disrupt MYH6 protein function with a negative predictive value of 80%. In summary, the available evidence is currently insufficient to determine the role of this variant in disease. Therefore, it has been classified as a Variant of Uncertain Significance.

Fulgent Genetics
Classification: Uncertain significance for Hypertrophic cardiomyopathy 1; Hypertrophic cardiomyopathy 14; Dilated cardiomyopathy 1EE; Atrial septal defect 3; Sick sinus syndrome 3, susceptibility to. Last evaluated: 2021-10-28. Review status: criteria provided, single submitter. Criteria: ACMG Guidelines, 2015. Collection method: clinical testing. Allele origin: unknown.

Women's Health and Genetics/Laboratory Corporation of America, LabCorp
Classification: Uncertain significance. Last evaluated: 2020-01-06. Review status: criteria provided, single submitter. Criteria: LabCorp Variant Classification Summary - May 2015. Collection method: clinical testing. Allele origin: germline.
Comment: Variant summary: MYH6 c.71T>C (p.Leu24Pro) results in a non-conservative amino acid change in the encoded protein sequence. Five of five in-silico tools predict a damaging effect of the variant on protein function. The variant was absent in 251480 control chromosomes (gnomAD). The available data on variant occurrences in the general population are insufficient to allow any conclusion about variant significance. c.71T>C has been reported in the literature in one individual affected with Cardiomyopathy (Seidelmann_2017). The report does not provide unequivocal conclusions about association of the variant with Cardiomyopathy. To our knowledge, no experimental evidence demonstrating an impact on protein function has been reported. No clinical diagnostic laboratories have submitted clinical-significance assessments for this variant to ClinVar after 2014. Based on the evidence outlined above, the variant was classified as uncertain significance.

Literature cited by the submitters: PubMed 28087566 (cited by 3 submitters).

NM_002471.4(MYH6):c.71T>C (p.Leu24Pro)

Genes: MYH6 (myosin heavy chain 6; minus strand), LOC114827851 (VISTA enhancer hs2155; plus strand). Cytogenetic location: 14q11.2.
Variant type: single nucleotide variant.
Coding change: c.71T>C on transcript NM_002471.4 (MANE Select); coding-DNA position 71, T replaced by C.
Protein change: p.Leu24Pro; replaces leucine 24 with proline.
Molecular consequence: missense variant.
Genome position (GRCh38, 1-based): chr14:23,407,153, A>G on the plus strand (T>C on the coding strand, the complement: MYH6 is on the minus strand). VCF-style: chr14-23407153-A-G. GRCh37 (hg19) VCF-style: chr14-23876362-A-G.
Other names: short protein forms L24P.
Identifiers: ClinVar variation 917551 (VCV000917551.16), dbSNP rs1320990570, ClinGen allele CA389032127.